The following is an entry in ClinVar:

NM_001205293.3(CACNA1E):c.823G>A (p.Ala275Thr)

Gene: CACNA1E (calcium voltage-gated channel subunit alpha1 E; plus strand). Cytogenetic location: 1q25.3.
Variant type: single nucleotide variant.
Coding change: c.823G>A on transcript NM_001205293.3 (MANE Select); coding-DNA position 823, G replaced by A.
Protein change: p.Ala275Thr; replaces alanine 275 with threonine.
Molecular consequence: missense variant.
Genome position (GRCh38, 1-based): chr1:181,580,648, G>A. VCF-style: chr1-181580648-G-A. GRCh37 (hg19) VCF-style: chr1-181549784-G-A.
Other names: c.823G>A, p.Ala275Thr (NM_000721.4, NM_001205294.2); short protein forms A275T.
Identifiers: ClinVar variation 4681883 (VCV004681883.5).

ClinVar aggregate classification (germline): Uncertain significance (1 of 4 stars; one submission).

gnomAD v4.1: 1 of 1,613,964 alleles (0.000062%); highest among the groups gnomAD compares: Non-Finnish European, 0.000085%; no homozygotes.

Submission:

CeGaT Center for Human Genetics Tuebingen
Classification: Uncertain significance. Last evaluated: 2025-12-01. Review status: criteria provided, single submitter. Criteria: CeGaT Center For Human Genetics Tuebingen Variant Classification Criteria Version 2. Collection method: clinical testing. Allele origin: germline. Affected: yes. Observed: 1 variant allele.
Comment: CACNA1E: PM2:Supporting, PP2